The following is an entry in ClinVar:

NM_000340.2(SLC2A2):c.*1260A>G

Gene: SLC2A2 (solute carrier family 2 member 2; minus strand). Cytogenetic location: 3q26.2.
Variant type: single nucleotide variant.
Coding change: c.*1260A>G on transcript NM_000340.2 (MANE Select); 1260 bases downstream of the stop codon, A replaced by G.
Molecular consequence: 3 prime UTR variant.
Genome position (GRCh38, 1-based): chr3:170,996,643, T>C on the plus strand (A>G on the coding strand, the complement: SLC2A2 is on the minus strand). VCF-style: chr3-170996643-T-C. GRCh37 (hg19) VCF-style: chr3-170714432-T-C.
Other names: c.*1260A>G (NM_001278658.2, NM_001278659.2).
Identifiers: ClinVar variation 344136 (VCV000344136.5), dbSNP rs573454591, ClinGen allele CA10615796.

ClinVar aggregate classification (germline): Likely benign (1 of 4 stars; one submission).

Conditions:
Fanconi-Bickel syndrome (FBS). Also called: HEPATIC GLYCOGENOSIS WITH FANCONI NEPHROPATHY; HEPATORENAL GLYCOGENOSIS WITH RENAL FANCONI SYNDROME; PSEUDO-PHLORIZIN DIABETES; Glycogen storage disease due to GLUT2 deficiency; FANCONI SYNDROME WITH INTESTINAL MALABSORPTION AND GALACTOSE INTOLERANCE; HEPATIC GLYCOGENOSIS WITH AMINO ACIDURIA AND GLUCOSURIA. Identifiers: Orphanet 2088, MedGen C3495427, MONDO:0009216, OMIM 227810.

Allele frequency attached by ClinVar (database versions not stated): gnomAD 0.00006 and 0.00014; gnomAD exomes 0.00010; TOPMed 0.00013; 1000 Genomes Project 0.00060; 1000 Genomes Project 30x 0.00062.
gnomAD v4.1: 45 of 398,066 alleles (0.011%); highest among the groups gnomAD compares: East Asian, 0.16%; no homozygotes.

Submission:

Illumina Laboratory Services, Illumina
Classification: Likely benign for Fanconi-Bickel syndrome. Last evaluated: 2018-01-13. Review status: criteria provided, single submitter. Criteria: ICSL Variant Classification Criteria 13 December 2019. Collection method: clinical testing. Allele origin: germline.
Comment: This variant was observed in the ICSL laboratory as part of a predisposition screen in an ostensibly healthy population. It had not been previously curated by ICSL or reported in the Human Gene Mutation Database (HGMD: prior to June 1st, 2018), and was therefore a candidate for classification through an automated scoring system. Utilizing variant allele frequency, disease prevalence and penetrance estimates, and inheritance mode, an automated score was calculated to assess if this variant is too frequent to cause the disease. Based on the score and internal cut-off values, a variant classified as likely benign is not then subjected to further curation. The score for this variant resulted in a classification of likely benign for this disease.